The following is an entry in ClinVar:

NM_001009944.3(PKD1):c.1546del (p.Trp516fs)

Gene: PKD1 (polycystin 1, transient receptor potential channel interacting; minus strand). Cytogenetic location: 16p13.3.
Variant type: Deletion.
Coding change: c.1546del on transcript NM_001009944.3 (MANE Select); coding-DNA position 1546, one base deleted (T; older notation c.1546delT).
Protein change: p.Trp516fs; shifts the reading frame from tryptophan 516.
Molecular consequence: frameshift variant.
Genome position (GRCh38, 1-based): chr16:2,116,893, A deleted on the plus strand (T on the coding strand, the reverse complement: PKD1 is on the minus strand). VCF-style (leftmost placement, unchanged base first): chr16-2116892-CA-C. GRCh37 (hg19) VCF-style: chr16-2166893-CA-C.
Other names: c.1546del, p.Trp516fs (NM_000296.4); short protein forms W516fs.
Identifiers: ClinVar variation 3236141 (VCV003236141.1), dbSNP rs2544871950, ClinGen allele CA2825002377.
Genomic context (GRCh38, chr16:2,116,892, plus strand): 5'-CCTCCGGGCTGCAGCTCGCAGACGTAGCTGTGCGGCGCTGAGCACAGGTCGGTGTTACAC[CA>C]CCCGGTGGGCCCGAGCCGGACGCAGTGCTCGGCTGTGGCTGGGTGTGGCTCCCCGGGCAG-3'

ClinVar aggregate classification (germline): Pathogenic (1 of 4 stars; one submission).

Conditions:
Polycystic kidney disease, adult type (PKD1). Also called: Polycystic Kidney Disease 1, Autosomal Dominant; Polycystic kidney disease 1; Polycystic kidney disease 1, severe; Polycystic Kidney, Autosomal Dominant; POLYCYSTIC KIDNEY DISEASE 1 WITH OR WITHOUT POLYCYSTIC LIVER DISEASE; POLYCYSTIC KIDNEY DISEASE, ADULT, TYPE I. Identifiers: MedGen C3149841, MONDO:0008263, OMIM 173900.

Submission:

MVZ Medizinische Genetik Mainz
Classification: Pathogenic for Polycystic kidney disease, adult type. Last evaluated: 2021-11-19. Review status: criteria provided, single submitter. Criteria: UK Practice Guidelines For Variant Classification V4 01 2020. Collection method: clinical testing. Allele origin: germline. Inheritance: Autosomal dominant inheritance. Observed: 1 variant allele.
Comment: ACMG Criteria: PVS1, PM2_SUP, PP4 (ACMG Version 3)